The following is an entry in ClinVar:

NM_000057.4(BLM):c.83del (p.Leu27_Ser28insTer)

Gene: BLM (BLM RecQ like helicase; plus strand). Cytogenetic location: 15q26.1.
Variant type: Deletion.
Coding change: c.83del on transcript NM_000057.4 (MANE Select); coding-DNA position 83, one base deleted (C; older notation c.83delC).
Protein change: p.Leu27_Ser28insTer.
Molecular consequence: nonsense. On other transcripts: 5 prime UTR variant (1).
Genome position (GRCh38, 1-based): chr15:90,747,475, C deleted. VCF-style (leftmost placement, unchanged base first): chr15-90747474-TC-T. GRCh37 (hg19) VCF-style: chr15-91290704-TC-T.
Other names: c.83del, p.Leu27_Ser28insTer (NM_001287246.2, NM_001287247.2); c.-1209del (NM_001287248.2).
Identifiers: ClinVar variation 1413984 (VCV001413984.6), dbSNP rs2151145092, ClinGen allele CA2573151376.
Genomic context (GRCh38, chr15:90,747,474, plus strand): 5'-AATCTACAGGAGCAACTAGAACGTCACTCAGCCAGAACACTTAATAATAAATTAAGTCTT[TC>T]AAAACCAAAATTTTCGTAAGTGTTTTGACTGGTTTGCTGTCACATAGGCACTAACTTACC-3'

ClinVar aggregate classification (germline): Pathogenic (1 of 4 stars; one submission).

Conditions:
Bloom syndrome (BLM). Also called: Bloom-Torre-Machacek syndrome. Identifiers: Orphanet 125, MedGen C0005859, MONDO:0008876, OMIM 210900.

Submission:

Labcorp Genetics (formerly Invitae), Labcorp
Classification: Pathogenic for Bloom syndrome. Last evaluated: 2021-02-20. Review status: criteria provided, single submitter. Criteria: Invitae Variant Classification Sherloc (09022015). Collection method: clinical testing. Allele origin: germline.
Comment: This sequence change creates a premature translational stop signal (p.Ser28*) in the BLM gene. It is expected to result in an absent or disrupted protein product. Loss-of-function variants in BLM are known to be pathogenic (PMID: 17407155). This variant is not present in population databases (ExAC no frequency). This variant has not been reported in the literature in individuals with BLM-related conditions. For these reasons, this variant has been classified as Pathogenic.

Literature cited by the submitters: PubMed 17407155.